The following is an entry in ClinVar:

ClinVar aggregate classification (germline): Conflicting classifications of pathogenicity. Review status: criteria provided, conflicting classifications (1 of 4 stars). 18 submissions from 12 submitters: Uncertain significance (2); Benign (7); Likely benign (9). Last evaluated 2026-09-01.

Conditions:
Geleophysic dysplasia. Identifiers: Orphanet 2623, MedGen C3489726, MONDO:0000127.
Weill-Marchesani syndrome. Also called: WM Syndrome; Mesodermal dysmorphodystrophy congenital. Identifiers: Orphanet 3449, MedGen C0265313, MONDO:0018096.
Familial thoracic aortic aneurysm and aortic dissection (TAAD). Also called: Thoracic aortic aneurysms and dissections. Identifiers: Orphanet 91387, MedGen C4707243, MONDO:0019625.
Marfan syndrome (MFS). Also called: FBN1-Related Marfan Syndrome; Marfan syndrome type 1; MARFAN SYNDROME, TYPE I; Marfan's syndrome; Marfan syndrome, classic. Identifiers: Orphanet 284963, Orphanet 558, MedGen C0024796, MONDO:0007947, OMIM 154700.
Acromicric dysplasia (ACMICD). Also called: Acromicric skeletal dysplasia. Identifiers: Orphanet 969, MedGen C0265287, MONDO:0007055, OMIM 102370.
Stiff skin syndrome (SSKS). Identifiers: Orphanet 2833, MedGen C1861456, MONDO:0008492, OMIM 184900.
Ectopia lentis 1, isolated, autosomal dominant (ECTOL1). Identifiers: Orphanet 1885, MedGen C3541518, MONDO:0007514, OMIM 129600.

Allele frequency attached by ClinVar (database versions not stated): TOPMed 0.00007; ESP Exome Variant Server 0.00008; 1000 Genomes Project 30x 0.00016; 1000 Genomes Project 0.00020.
gnomAD v4.1: 126 of 1,613,558 alleles (0.0078%); highest among the groups gnomAD compares: Middle Eastern, 0.43%; no homozygotes.

Submissions (18):

CeGaT Center for Human Genetics Tuebingen
Classification: Likely benign. Last evaluated: 2026-09-01. Review status: criteria provided, single submitter. Criteria: CeGaT Center For Human Genetics Tuebingen Variant Classification Criteria Version 2. Collection method: clinical testing. Allele origin: germline. Affected: yes. Observed: 5 variant alleles.
Comment: FBN1: BP4, BP7

Labcorp Genetics (formerly Invitae), Labcorp
Classification: Likely benign for Marfan syndrome; Familial thoracic aortic aneurysm and aortic dissection. Last evaluated: 2026-02-01. Review status: criteria provided, single submitter. Criteria: Invitae Variant Classification Sherloc (09022015). Collection method: clinical testing. Allele origin: germline.

Blueprint Genetics
Classification: Likely benign. Last evaluated: 2024-10-18. Review status: criteria provided, single submitter. Criteria: ACMG Guidelines, 2015. Collection method: clinical testing. Allele origin: germline.

All of Us Research Program, National Institutes of Health
Classification: Likely benign for Marfan syndrome. Last evaluated: 2023-12-01. Review status: criteria provided, single submitter. Criteria: ACMG Guidelines, 2015. Collection method: clinical testing. Allele origin: germline. Inheritance: Autosomal dominant inheritance. Observed: 20 variant alleles, 20 heterozygotes.
Comment: This study involves interpretation of variants in research participants for the purpose of population health screening. Participant phenotype was not available at the time of variant classification. Additional details can be found in publication PMID: 35346344, PMCID: PMC8962531

ARUP Laboratories, Molecular Genetics and Genomics, ARUP Laboratories
Classification: Likely benign. Last evaluated: 2023-01-03. Review status: criteria provided, single submitter. Criteria: ARUP Molecular Germline Variant Investigation Process 2024. Collection method: clinical testing. Allele origin: germline.

Women's Health and Genetics/Laboratory Corporation of America, LabCorp
Classification: Benign. Last evaluated: 2019-08-28. Review status: criteria provided, single submitter. Criteria: LabCorp Variant Classification Summary - May 2015. Collection method: clinical testing. Allele origin: germline.

CHEO Genetics Diagnostic Laboratory, Children's Hospital of Eastern Ontario
Classification: Likely benign for Familial thoracic aortic aneurysm and aortic dissection. Last evaluated: 2018-09-18. Review status: criteria provided, single submitter. Criteria: ACMG Guidelines, 2015. Collection method: clinical testing. Allele origin: germline.

Ambry Genetics
Classification: Likely benign for Familial thoracic aortic aneurysm and aortic dissection. Last evaluated: 2018-08-23. Review status: criteria provided, single submitter. Criteria: Ambry Variant Classification Scheme 2023. Collection method: clinical testing. Allele origin: germline.

Color Diagnostics, LLC DBA Color Health
Classification: Likely benign for Familial thoracic aortic aneurysm and aortic dissection. Last evaluated: 2018-07-23. Review status: criteria provided, single submitter. Criteria: ACMG Guidelines, 2015. Collection method: clinical testing. Allele origin: germline.

Illumina Laboratory Services, Illumina
Classification: Benign for Geleophysic dysplasia. Last evaluated: 2018-01-13. Review status: criteria provided, single submitter. Criteria: ICSL Variant Classification Criteria 13 December 2019. Collection method: clinical testing. Allele origin: germline.
Comment: This variant was observed in the ICSL laboratory as part of a predisposition screen in an ostensibly healthy population. It had not been previously curated by ICSL or reported in the Human Gene Mutation Database (HGMD: prior to June 1st, 2018), and was therefore a candidate for classification through an automated scoring system. Utilizing variant allele frequency, disease prevalence and penetrance estimates, and inheritance mode, an automated score was calculated to assess if this variant is too frequent to cause the disease. Based on the score and internal cut-off values, a variant classified as benign is not then subjected to further curation. The score for this variant resulted in a classification of benign for this disease.

Illumina Laboratory Services, Illumina
Classification: Benign for Weill-Marchesani syndrome. Last evaluated: 2018-01-13. Review status: criteria provided, single submitter. Criteria: ICSL Variant Classification Criteria 13 December 2019. Collection method: clinical testing. Allele origin: germline.
Comment: the same text as in the submission from Illumina Laboratory Services, Illumina above.

Illumina Laboratory Services, Illumina
Classification: Benign for Ectopia lentis 1, isolated, autosomal dominant. Last evaluated: 2018-01-13. Review status: criteria provided, single submitter. Criteria: ICSL Variant Classification Criteria 13 December 2019. Collection method: clinical testing. Allele origin: germline.
Comment: the same text as in the submission from Illumina Laboratory Services, Illumina above.

Illumina Laboratory Services, Illumina
Classification: Benign for Acromicric dysplasia. Last evaluated: 2018-01-13. Review status: criteria provided, single submitter. Criteria: ICSL Variant Classification Criteria 13 December 2019. Collection method: clinical testing. Allele origin: germline.
Comment: the same text as in the submission from Illumina Laboratory Services, Illumina above.

Illumina Laboratory Services, Illumina
Classification: Uncertain significance for Familial thoracic aortic aneurysm and aortic dissection. Last evaluated: 2018-01-13. Review status: criteria provided, single submitter. Criteria: ICSL Variant Classification Criteria 13 December 2019. Collection method: clinical testing. Allele origin: germline.

Illumina Laboratory Services, Illumina
Classification: Benign for Stiff skin syndrome. Last evaluated: 2018-01-13. Review status: criteria provided, single submitter. Criteria: ICSL Variant Classification Criteria 13 December 2019. Collection method: clinical testing. Allele origin: germline.
Comment: the same text as in the submission from Illumina Laboratory Services, Illumina above.

Illumina Laboratory Services, Illumina
Classification: Likely benign for Marfan syndrome. Last evaluated: 2018-01-13. Review status: criteria provided, single submitter. Criteria: ICSL Variant Classification Criteria 13 December 2019. Collection method: clinical testing. Allele origin: germline.
Comment: This variant was observed in the ICSL laboratory as part of a predisposition screen in an ostensibly healthy population. It had not been previously curated by ICSL or reported in the Human Gene Mutation Database (HGMD: prior to June 1st, 2018), and was therefore a candidate for classification through an automated scoring system. Utilizing variant allele frequency, disease prevalence and penetrance estimates, and inheritance mode, an automated score was calculated to assess if this variant is too frequent to cause the disease. Based on the score and internal cut-off values, a variant classified as likely benign is not then subjected to further curation. The score for this variant resulted in a classification of likely benign for this disease.

Eurofins Ntd Llc (ga)
Classification: Uncertain significance. Last evaluated: 2015-06-22. Review status: criteria provided, single submitter. Criteria: EGL Classification Definitions 2015. Collection method: clinical testing. Allele origin: germline. Observed: 1 variant allele, 1 heterozygote.

GeneDx
Classification: Benign. Last evaluated: 2015-03-03. Review status: criteria provided, single submitter. Criteria: GeneDx Variant Classification Process June 2021. Collection method: clinical testing. Allele origin: germline. Affected: yes.

NM_000138.5(FBN1):c.4998C>T (p.Thr1666=)

Gene: FBN1 (fibrillin 1; minus strand). Cytogenetic location: 15q21.1.
Variant type: single nucleotide variant.
Coding change: c.4998C>T on transcript NM_000138.5 (MANE Select); coding-DNA position 4998, C replaced by T.
Protein change: p.Thr1666=; no amino-acid change (threonine 1666 retained).
Molecular consequence: synonymous variant.
Genome position (GRCh38, 1-based): chr15:48,463,966, G>A on the plus strand (C>T on the coding strand, the complement: FBN1 is on the minus strand). VCF-style: chr15-48463966-G-A. GRCh37 (hg19) VCF-style: chr15-48756163-G-A.
Identifiers: ClinVar variation 281682 (VCV000281682.53), dbSNP rs141925790, ClinGen allele CA054123.